The following is an entry in ClinVar:

NM_000051.4(ATM):c.2922-13T>C

Gene: ATM (ATM serine/threonine kinase; plus strand). Cytogenetic location: 11q22.3.
Variant type: single nucleotide variant.
Coding change: c.2922-13T>C on transcript NM_000051.4 (MANE Select); 13 bases into the intron before coding-DNA position 2922, T replaced by C.
Molecular consequence: intron variant.
Genome position (GRCh38, 1-based): chr11:108,271,238, T>C. VCF-style: chr11-108271238-T-C. GRCh37 (hg19) VCF-style: chr11-108141965-T-C.
Other names: c.2922-13T>C (NM_001351834.2).
Identifiers: ClinVar variation 628022 (VCV000628022.6), dbSNP rs1565424946, ClinGen allele CA913187681.
Genomic context (GRCh38, chr11:108,271,238, plus strand): 5'-TTTAAAGTTATAAAATAACTGATGTGTTCTGTTAAGCTTATAAAGTTGAACTTTTTTTTT[T>C]TTTTTACCACAGCAATGTGTGTTCTTTGTATCGTCGTGACCAAGATGTTTGTAAAACTAT-3'

ClinVar aggregate classification (germline): Conflicting classifications of pathogenicity. Review status: criteria provided, conflicting classifications (1 of 4 stars). 3 submissions from 3 submitters: Uncertain significance (1); Likely benign (2). Last evaluated 2024-05-10.

Conditions:
Hereditary cancer-predisposing syndrome. Also called: Tumor predisposition; Neoplastic Syndromes, Hereditary; Hereditary Cancer Syndrome; Hereditary neoplastic syndrome. Identifiers: Orphanet 140162, MedGen C0027672, MeSH D009386, MONDO:0015356.
Familial cancer of breast. Also called: BREAST CANCER, FAMILIAL; Hereditary breast cancer; hereditary breast carcinoma. Identifiers: Orphanet 227535, MedGen C0346153, MONDO:0016419, OMIM 114480. Disease mechanism: loss of function.
Ataxia-telangiectasia syndrome (AT). Also called: ATAXIA-TELANGIECTASIA, COMPLEMENTATION GROUP A; ATAXIA-TELANGIECTASIA, FRESNO VARIANT; LOUIS-BAR SYNDROME; Ataxia telangiectasia (A-T); Cerebello-oculocutaneous telangiectasia; Immunodeficiency with ataxia telangiectasia. Identifiers: Orphanet 100, MedGen C0004135, MONDO:0008840, OMIM 208900.

Allele frequency attached by ClinVar (database versions not stated): gnomAD exomes below 0.00001.
gnomAD v4.1: 1 of 1,613,664 alleles (0.000062%); highest among the groups gnomAD compares: African/African-American, 0.0013%; no homozygotes.

Submissions (3):

Myriad Genetics, Inc.
Classification: Likely benign for Familial cancer of breast. Last evaluated: 2024-05-10. Review status: criteria provided, single submitter. Criteria: Myriad Autosomal Dominant, Autosomal Recessive and X-Linked Classification Criteria (2023). Collection method: clinical testing. Allele origin: unknown.
Comment: This variant is considered likely benign. This variant is intronic and is not expected to impact mRNA splicing.

Labcorp Genetics (formerly Invitae), Labcorp
Classification: Likely benign for Ataxia-telangiectasia syndrome. Last evaluated: 2023-01-09. Review status: criteria provided, single submitter. Criteria: Invitae Variant Classification Sherloc (09022015). Collection method: clinical testing. Allele origin: germline.

Color Diagnostics, LLC DBA Color Health
Classification: Uncertain significance for Hereditary cancer-predisposing syndrome. Last evaluated: 2018-09-24. Review status: criteria provided, single submitter. Criteria: ACMG Guidelines, 2015. Collection method: clinical testing. Allele origin: germline.